The following is an entry in ClinVar:

NM_000257.4(MYH7):c.743T>C (p.Ile248Thr)

Gene: MYH7 (myosin heavy chain 7; minus strand). Cytogenetic location: 14q11.2.
Variant type: single nucleotide variant.
Coding change: c.743T>C on transcript NM_000257.4 (MANE Select); coding-DNA position 743, T replaced by C.
Protein change: p.Ile248Thr; replaces isoleucine 248 with threonine.
Molecular consequence: missense variant.
Genome position (GRCh38, 1-based): chr14:23,431,471, A>G on the plus strand (T>C on the coding strand, the complement: MYH7 is on the minus strand). VCF-style: chr14-23431471-A-G. GRCh37 (hg19) VCF-style: chr14-23900680-A-G.
Other names: short protein forms I248T.
Identifiers: ClinVar variation 177687 (VCV000177687.10), dbSNP rs727504280, ClinGen allele CA016766.

ClinVar aggregate classification (germline): Conflicting classifications of pathogenicity. Review status: criteria provided, conflicting classifications (1 of 4 stars). 3 submissions from 3 submitters: Likely pathogenic (1); Uncertain significance (1). 1 of the submissions does not count toward it. Last evaluated 2024-03-16.

Conditions:
Hypertrophic cardiomyopathy 1 (CMH1). Also called: Familial hypertrophic cardiomyopathy 1; MYH7-Related Familial Hypertrophic Cardiomyopathy. Identifiers: MedGen C3495498, MONDO:0008647, OMIM 192600.
Hypertrophic cardiomyopathy. Also called: HYPERTROPHIC MYOCARDIOPATHY. Identifiers: Orphanet 217569, MedGen C0007194, MeSH D002312, MONDO:0005045, HP:0001639.

Submissions (3):

Labcorp Genetics (formerly Invitae), Labcorp
Classification: Uncertain significance for Hypertrophic cardiomyopathy. Last evaluated: 2024-03-16. Review status: criteria provided, single submitter. Criteria: Invitae Variant Classification Sherloc (09022015). Collection method: clinical testing. Allele origin: germline.
Comment: This sequence change replaces isoleucine, which is neutral and non-polar, with threonine, which is neutral and polar, at codon 248 of the MYH7 protein (p.Ile248Thr). This variant is not present in population databases (gnomAD no frequency). This missense change has been observed in individual(s) with hypertrophic cardiomyopathy (PMID: 27532257). ClinVar contains an entry for this variant (Variation ID: 177687). Advanced modeling of protein sequence and biophysical properties (such as structural, functional, and spatial information, amino acid conservation, physicochemical variation, residue mobility, and thermodynamic stability) performed at Invitae indicates that this missense variant is expected to disrupt MYH7 protein function with a positive predictive value of 95%. In summary, the available evidence is currently insufficient to determine the role of this variant in disease. Therefore, it has been classified as a Variant of Uncertain Significance.

Clinical Genetics Service, Universitary Hospital 12 de Octubre
Classification: Likely pathogenic for Hypertrophic cardiomyopathy 1. Review status: criteria provided, single submitter. Criteria: ACMG Guidelines, 2015. Collection method: clinical testing. Allele origin: germline. Affected: yes.

Laboratory for Molecular Medicine, Mass General Brigham Personalized Medicine
Classification: Likely pathogenic for Hypertrophic cardiomyopathy. Last evaluated: 2015-04-10. Review status: no assertion criteria provided. Collection method: clinical testing. Allele origin: germline. Observed: 1 variant allele. Not counted in ClinVar's aggregate classification.
Comment: proposed classification - variant undergoing re-assessment, contact laboratory

Literature cited by the submitters: PubMed 27532257 (cited by Labcorp Genetics (formerly Invitae), Labcorp).